The following is an entry in ClinVar:

ClinVar aggregate classification (germline): Likely pathogenic (1 of 4 stars; one submission).

Submission:

Dasa
Classification: Likely pathogenic. Last evaluated: 2026-01-26. Review status: criteria provided, single submitter. Criteria: DASA Assertion Criteria. Collection method: clinical testing. Allele origin: germline.
Comment: NM_000090.4(COL3A1):c.3472G>A (p.Gly1158Ser) is a missense variant that results in the substitution of glycine with serine. Multiple computational predictions support a deleterious effect on the gene or gene product. Based on the available data, this variant is classified as likely pathogenic.

NM_000090.4(COL3A1):c.3472G>A (p.Gly1158Ser)

Gene: COL3A1 (collagen type III alpha 1 chain; plus strand). Cytogenetic location: 2q32.2.
Variant type: single nucleotide variant.
Coding change: c.3472G>A on transcript NM_000090.4 (MANE Select); coding-DNA position 3472, G replaced by A.
Protein change: p.Gly1158Ser; replaces glycine 1158 with serine.
Molecular consequence: missense variant.
Genome position (GRCh38, 1-based): chr2:189,008,089, G>A. VCF-style: chr2-189008089-G-A. GRCh37 (hg19) VCF-style: chr2-189872815-G-A.
Other names: short protein forms G1158S.
Identifiers: ClinVar variation 4851859 (VCV004851859.1).